The following is an entry in ClinVar:

NM_001081.4(CUBN):c.2068A>G (p.Ile690Val)

Gene: CUBN (cubilin; minus strand). Cytogenetic location: 10p13.
Variant type: single nucleotide variant.
Coding change: c.2068A>G on transcript NM_001081.4 (MANE Select); coding-DNA position 2068, A replaced by G.
Protein change: p.Ile690Val; replaces isoleucine 690 with valine.
Molecular consequence: missense variant.
Genome position (GRCh38, 1-based): chr10:17,085,639, T>C on the plus strand (A>G on the coding strand, the complement: CUBN is on the minus strand). VCF-style: chr10-17085639-T-C. GRCh37 (hg19) VCF-style: chr10-17127638-T-C.
Other names: short protein forms I690V.
Identifiers: ClinVar variation 56325 (VCV000056325.2), dbSNP rs386833772, ClinGen allele CA144259.

ClinVar aggregate classification (germline): Likely pathogenic (0 of 4 stars; one submission).

Conditions:
Imerslund-Grasbeck syndrome. Also called: PERNICIOUS ANEMIA, JUVENILE, DUE TO SELECTIVE INTESTINAL MALABSORPTION OF VITAMIN B12, WITH PROTEINURIA; Megaloblastic anemia due to inborn errors of metabolism; Imerslund-Gräsbeck syndrome; ENTEROCYTE COBALAMIN MALABSORPTION; ENTEROCYTE INTRINSIC FACTOR RECEPTOR, DEFECT OF. Identifiers: Orphanet 35858, MedGen C4551825, MONDO:0009853.

Submission:

Juha Muilu Group; Institute for Molecular Medicine Finland (FIMM)
Classification: Likely pathogenic for Megaloblastic anemia due to inborn errors of metabolism. Review status: no assertion criteria provided. Collection method: not provided. Allele origin: unknown.
Comment: FinDis database variant: This variant was not found or characterized by our laboratory, data were collected from public sources: see reference
ClinVar note: Converted during submission from probable-pathogenic to Likely pathogenic.